The following is an entry in ClinVar:

ClinVar aggregate classification (germline): Uncertain significance (1 of 4 stars; one submission).

Submission:

Women's Health and Genetics/Laboratory Corporation of America, LabCorp
Classification: Uncertain significance. Last evaluated: 2025-01-24. Review status: criteria provided, single submitter. Criteria: LabCorp Variant Classification Summary - May 2015. Collection method: clinical testing. Allele origin: germline.
Comment: Variant summary: BRWD3 c.85G>T (p.Ala29Ser) results in a conservative amino acid change in the encoded protein sequence. Four of five in-silico tools predict a benign effect of the variant on protein function. The variant was absent in 159483 control chromosomes. The available data on variant occurrences in the general population are insufficient to allow any conclusion about variant significance. To our knowledge, no occurrence of c.85G>T in individuals affected with Intellectual Disability, X-Linked 93 and no experimental evidence demonstrating its impact on protein function have been reported. No submitters have cited clinical-significance assessments for this variant to ClinVar. Based on the evidence outlined above, the variant was classified as uncertain significance.

NM_153252.5(BRWD3):c.85G>T (p.Ala29Ser)

Gene: BRWD3 (bromodomain and WD repeat domain containing 3; minus strand). Cytogenetic location: Xq21.1.
Variant type: single nucleotide variant.
Coding change: c.85G>T on transcript NM_153252.5 (MANE Select); coding-DNA position 85, G replaced by T.
Protein change: p.Ala29Ser; replaces alanine 29 with serine.
Molecular consequence: missense variant.
Genome position (GRCh38, 1-based): chrX:80,809,251, C>A on the plus strand (G>T on the coding strand, the complement: BRWD3 is on the minus strand). VCF-style: chrX-80809251-C-A. GRCh37 (hg19) VCF-style: chrX-80064750-C-A.
Other names: short protein forms A29S.
Identifiers: ClinVar variation 3769448 (VCV003769448.2).
Genomic context (GRCh38, chrX:80,809,251, plus strand): 5'-GATTTCCCCACTGGGACCATTCACCACGACTCCCAGATCTCTTTCTTCCCCTTACCTGAG[C>A]GGATTTGTTGCAGGGTCCAGACTGCAAGAACCTAGCGATCAGGTAATACAGCTCTGGGGA-3'
Protein context (NP_694984.5, residues 19-39): FLQSGPCNKS[Ala29Ser]QVLVQELEEH